The following is an entry in ClinVar:

NM_032383.5(HPS3):c.2479C>T (p.Leu827=)

Genes: CP (ceruloplasmin; minus strand), HPS3 (HPS3 biogenesis of lysosomal organelles complex 2 subunit 1; plus strand). Cytogenetic location: 3q24.
Variant type: single nucleotide variant.
Coding change: c.2479C>T on transcript NM_032383.5 (MANE Select); coding-DNA position 2479, C replaced by T.
Protein change: p.Leu827=; no amino-acid change (leucine 827 retained).
Molecular consequence: synonymous variant.
Genome position (GRCh38, 1-based): chr3:149,162,876, C>T. VCF-style: chr3-149162876-C-T. GRCh37 (hg19) VCF-style: chr3-148880663-C-T.
Other names: c.1984C>T, p.Leu662= (NM_001308258.2).
Identifiers: ClinVar variation 762990 (VCV000762990.12), dbSNP rs773017257, ClinGen allele CA2660357.

ClinVar aggregate classification (germline): Conflicting classifications of pathogenicity. Review status: criteria provided, conflicting classifications (1 of 4 stars). 3 submissions from 3 submitters: Uncertain significance (1); Likely benign (1). 1 of the submissions does not count toward it. Last evaluated 2026-01-06.

Conditions:
Hermansky-Pudlak syndrome (HPS). Also called: ALBINISM WITH HEMORRHAGIC DIATHESIS AND PIGMENTED RETICULOENDOTHELIAL CELLS. Identifiers: Orphanet 79430, MedGen C0079504, MONDO:0019312.

Allele frequency attached by ClinVar (database versions not stated): gnomAD below 0.00001 and 0.00001; TOPMed 0.00001; gnomAD exomes 0.00003 and 0.00005; ExAC 0.00004.
gnomAD v4.1: 42 of 1,611,796 alleles (0.0026%); highest among the groups gnomAD compares: South Asian, 0.046%; no homozygotes.

Submissions (3):

Labcorp Genetics (formerly Invitae), Labcorp
Classification: Likely benign. Last evaluated: 2026-01-06. Review status: criteria provided, single submitter. Criteria: Invitae Variant Classification Sherloc (09022015). Collection method: clinical testing. Allele origin: germline.

Women's Health and Genetics/Laboratory Corporation of America, LabCorp
Classification: Uncertain significance. Last evaluated: 2025-05-07. Review status: criteria provided, single submitter. Criteria: LabCorp Variant Classification Summary - May 2015. Collection method: clinical testing. Allele origin: germline.
Comment: Variant summary: HPS3 c.2479C>T (p.Leu827Leu) alters a nucleotide located close to a canonical splice site and therefore could affect mRNA splicing, leading to a significantly altered protein sequence. Consensus agreement among computation tools predict no significant impact on normal splicing. However, these predictions have yet to be confirmed by functional studies. The variant allele was found at a frequency of 5.2e-05 in 250292 control chromosomes. This frequency is not significantly higher than estimated for a pathogenic variant in HPS3 causing Hermansky-Pudlak Syndrome (5.2e-05 vs 0.00055), allowing no conclusion about variant significance. To our knowledge, no occurrence of c.2479C>T in individuals affected with Hermansky-Pudlak Syndrome and no experimental evidence demonstrating its impact on protein function have been reported. ClinVar contains an entry for this variant (Variation ID: 762990). Based on the evidence outlined above, the variant was classified as uncertain significance.

Natera, Inc.
Classification: Likely benign for Hermansky-Pudlak syndrome. Last evaluated: 2020-09-28. Review status: no assertion criteria provided. Collection method: clinical testing. Allele origin: germline. Not counted in ClinVar's aggregate classification.